The following is an entry in ClinVar:

NM_014850.4(SRGAP3):c.1164G>A (p.Gln388=)

Gene: SRGAP3 (SLIT-ROBO Rho GTPase activating protein 3; minus strand). Cytogenetic location: 3p25.3.
Variant type: single nucleotide variant.
Coding change: c.1164G>A on transcript NM_014850.4 (MANE Select); coding-DNA position 1164, G replaced by A.
Protein change: p.Gln388=; no amino-acid change (glutamine 388 retained).
Molecular consequence: synonymous variant.
Genome position (GRCh38, 1-based): chr3:9,053,186, C>T on the plus strand (G>A on the coding strand, the complement: SRGAP3 is on the minus strand). VCF-style: chr3-9053186-C-T. GRCh37 (hg19) VCF-style: chr3-9094870-C-T.
Other names: c.1164G>A, p.Gln388= (NM_001033117.3).
Identifiers: ClinVar variation 3057847 (VCV003057847.2), dbSNP rs185541928, ClinGen allele CA2237928.

ClinVar aggregate classification (germline): Likely benign (0 of 4 stars; one submission).

Conditions:
SRGAP3-related disorder. Also called: SRGAP3-related condition.

Allele frequency attached by ClinVar (database versions not stated): gnomAD 0.00005; TOPMed 0.00005; gnomAD exomes 0.00006; ExAC 0.00007; ESP Exome Variant Server 0.00008; 1000 Genomes Project 30x 0.00016; 1000 Genomes Project 0.00020.
gnomAD v4.1: 101 of 1,614,148 alleles (0.0063%); highest among the groups gnomAD compares: Middle Eastern, 0.066%; no homozygotes.

Submission:

PreventionGenetics, part of Exact Sciences
Classification: Likely benign for SRGAP3-related condition. Last evaluated: 2019-02-20. Review status: no assertion criteria provided. Collection method: clinical testing. Allele origin: germline.
Comment: This variant is classified as likely benign based on ACMG/AMP sequence variant interpretation guidelines (Richards et al. 2015 PMID: 25741868, with internal and published modifications).